The following is an entry in ClinVar:

ClinVar aggregate classification (germline): Uncertain significance. Review status: criteria provided, multiple submitters, no conflicts (2 of 4 stars). 3 submissions from 3 submitters: Uncertain significance (3). Last evaluated 2025-09-16.

Conditions:
Inborn genetic diseases. Identifiers: MedGen C0950123, MeSH D030342.
Dyskeratosis congenita, autosomal dominant 6 (DKCA6). Identifiers: Orphanet 3322, MedGen C4225284, MONDO:0014690, OMIM 616553.

Allele frequency attached by ClinVar (database versions not stated): TOPMed 0.00006.
gnomAD v4.1: 90 of 1,613,272 alleles (0.0056%); highest among the groups gnomAD compares: Non-Finnish European, 0.0075%; no homozygotes.

Submissions (3):

Labcorp Genetics (formerly Invitae), Labcorp
Classification: Uncertain significance for Dyskeratosis congenita, autosomal dominant 6. Last evaluated: 2025-09-16. Review status: criteria provided, single submitter. Criteria: Invitae Variant Classification Sherloc (09022015). Collection method: clinical testing. Allele origin: germline.
Comment: This sequence change replaces threonine, which is neutral and polar, with asparagine, which is neutral and polar, at codon 411 of the ACD protein (p.Thr411Asn). This variant is present in population databases (rs777812658, gnomAD 0.006%). This missense change has been observed in individual(s) with ACD-related conditions (PMID: 37944684). ClinVar contains an entry for this variant (Variation ID: 567362). Invitae Evidence Modeling of protein sequence and biophysical properties (such as structural, functional, and spatial information, amino acid conservation, physicochemical variation, residue mobility, and thermodynamic stability) indicates that this missense variant is not expected to disrupt ACD protein function with a negative predictive value of 80%. In summary, the available evidence is currently insufficient to determine the role of this variant in disease. Therefore, it has been classified as a Variant of Uncertain Significance.

Ambry Genetics
Classification: Uncertain significance for Inborn genetic diseases. Last evaluated: 2025-08-27. Review status: criteria provided, single submitter. Criteria: Ambry Variant Classification Scheme 2023. Collection method: clinical testing. Allele origin: germline.

Center for Genomic Medicine, Rigshospitalet, Copenhagen University Hospital
Classification: Uncertain significance. Last evaluated: 2025-03-04. Review status: criteria provided, single submitter. Criteria: ACMG Guidelines, 2015. Collection method: clinical testing. Allele origin: germline.

Literature cited by the submitters: PubMed 37944684 (cited by Labcorp Genetics (formerly Invitae), Labcorp).

NM_001082486.2(ACD):c.974C>A (p.Thr325Asn)

Gene: ACD (ACD shelterin complex subunit and telomerase recruitment factor; minus strand). Cytogenetic location: 16q22.1.
Variant type: single nucleotide variant.
Coding change: c.974C>A on transcript NM_001082486.2 (MANE Select); coding-DNA position 974, C replaced by A.
Protein change: p.Thr325Asn; replaces threonine 325 with asparagine.
Molecular consequence: missense variant.
Genome position (GRCh38, 1-based): chr16:67,658,218, G>T on the plus strand (C>A on the coding strand, the complement: ACD is on the minus strand). VCF-style: chr16-67658218-G-T. GRCh37 (hg19) VCF-style: chr16-67692121-G-T.
Other names: c.974C>A, p.Thr325Asn (LRG_1237t1); c.965C>A, p.Thr322Asn (NM_022914.3); short protein forms T325N, T322N.
Identifiers: ClinVar variation 567362 (VCV000567362.22), dbSNP rs777812658, ClinGen allele CA8114472.